The following is an entry in ClinVar:

NM_007289.4(MME):c.2221A>G (p.Met741Val)

Gene: MME (membrane metalloendopeptidase; plus strand). Cytogenetic location: 3q25.2.
Variant type: single nucleotide variant.
Coding change: c.2221A>G on transcript NM_007289.4 (MANE Select); coding-DNA position 2221, A replaced by G.
Protein change: p.Met741Val; replaces methionine 741 with valine.
Molecular consequence: missense variant.
Genome position (GRCh38, 1-based): chr3:155,180,427, A>G. VCF-style: chr3-155180427-A-G. GRCh37 (hg19) VCF-style: chr3-154898216-A-G.
Other names: c.2221A>G, p.Met741Val (NM_000902.5, NM_001354642.2, NM_001354643.1 and 2 more transcripts); short protein forms M741V.
Identifiers: ClinVar variation 2555454 (VCV002555454.3), dbSNP rs753313789, ClinGen allele CA2675791.
Genomic context (GRCh38, chr3:155,180,427, plus strand): 5'-GGGACTTTGCAGAACTCTGCAGAGTTTTCAGAAGCCTTTCACTGCCGCAAGAATTCATAC[A>G]TGAATCCAGAAAAGAAGTGCCGGGTTTGGTGATCTTCAAAAGAAGCATTGCAGCCCTTGG-3'
Protein context (NP_009220.2, residues 731-750): EAFHCRKNSY[Met741Val]NPEKKCRVW

ClinVar aggregate classification (germline): Uncertain significance. Review status: criteria provided, multiple submitters, no conflicts (2 of 4 stars). 2 submissions from 2 submitters: Uncertain significance (2). Last evaluated 2025-10-15.

Conditions:
Inborn genetic diseases. Identifiers: MedGen C0950123, MeSH D030342.

gnomAD v4.1: 20 of 1,613,596 alleles (0.0012%); highest among the groups gnomAD compares: East Asian, 0.013%; no homozygotes.

Submissions (2):

Women's Health and Genetics/Laboratory Corporation of America, LabCorp
Classification: Uncertain significance. Last evaluated: 2025-10-15. Review status: criteria provided, single submitter. Criteria: LabCorp Variant Classification Summary - May 2015. Collection method: clinical testing. Allele origin: germline.
Comment: Variant summary: MME c.2221A>G (p.Met741Val) results in a conservative amino acid change in the encoded protein sequence. Algorithms developed to predict the effect of missense changes on protein structure and function are either unavailable or do not agree on the potential impact of this missense change. The variant allele was found at a frequency of 2.8e-05 in 250920 control chromosomes. The available data on variant occurrences in the general population are insufficient to allow any conclusion about variant significance. To our knowledge, no occurrence of c.2221A>G in individuals affected with MME-related conditions and no experimental evidence demonstrating its impact on protein function have been reported. ClinVar contains an entry for this variant (Variation ID: 2555454). Based on the evidence outlined above, the variant was classified as uncertain significance.

Ambry Genetics
Classification: Uncertain significance for Inborn genetic diseases. Last evaluated: 2023-03-24. Review status: criteria provided, single submitter. Criteria: Ambry Variant Classification Scheme 2023. Collection method: clinical testing. Allele origin: germline.